The following is an entry in ClinVar:

ClinVar aggregate classification (germline): Benign/Likely benign. Review status: criteria provided, multiple submitters, no conflicts (2 of 4 stars). 10 submissions from 10 submitters: Benign (6); Likely benign (2). 2 of the submissions do not count toward it. Last evaluated 2026-01-26.

Conditions:
Ehlers-Danlos syndrome, classic type, 1 (EDSCL1). Also called: Ehlers-Danlos syndrome, type 1; Ehlers-Danlos Syndrome, Classic Type, COL5A1-Related; EDS I; EHLERS-DANLOS SYNDROME, GRAVIS TYPE; EHLERS-DANLOS SYNDROME, SEVERE CLASSIC TYPE. Identifiers: MedGen C0268335, MONDO:0019567, OMIM 130000.
Ehlers-Danlos syndrome, classic type, 2 (EDSCL2). Also called: Ehlers-Danlos syndrome type 2 (formerly); Ehlers-Danlos syndrome, type 2; Ehlers-Danlos Syndrome, Classic Type, COL5A2-Related. Identifiers: Orphanet 287, Orphanet 90318, MedGen C0268336, MONDO:0019568, OMIM 130010.

Allele frequency attached by ClinVar (database versions not stated): 1000 Genomes Project 30x 0.00671; gnomAD 0.00772; ESP Exome Variant Server 0.00846; 1000 Genomes Project 0.00619; TOPMed 0.00795.
gnomAD v4.1: 2,522 of 1,566,624 alleles (0.16%); highest among the groups gnomAD compares: African/African-American, 2.5%; 29 homozygotes.

Submissions (10):

Labcorp Genetics (formerly Invitae), Labcorp
Classification: Benign for Ehlers-Danlos syndrome, classic type, 1. Last evaluated: 2026-01-26. Review status: criteria provided, single submitter. Criteria: Invitae Variant Classification Sherloc (09022015). Collection method: clinical testing. Allele origin: germline.

Genomic Medicine Center of Excellence, King Faisal Specialist Hospital and Research Centre
Classification: Likely benign. Last evaluated: 2025-08-18. Review status: criteria provided, single submitter. Criteria: ACMG Guidelines, 2015. Collection method: clinical testing. Allele origin: germline.

ARUP Laboratories, Molecular Genetics and Genomics, ARUP Laboratories
Classification: Benign for Ehlers-Danlos syndrome, classic type, 2. Last evaluated: 2024-11-18. Review status: criteria provided, single submitter. Criteria: ARUP Molecular Germline Variant Investigation Process 2024. Collection method: clinical testing. Allele origin: germline.

Women's Health and Genetics/Laboratory Corporation of America, LabCorp
Classification: Benign. Last evaluated: 2023-07-21. Review status: criteria provided, single submitter. Criteria: LabCorp Variant Classification Summary - May 2015. Collection method: clinical testing. Allele origin: germline.

Illumina Laboratory Services, Illumina
Classification: Benign for Ehlers-Danlos syndrome, classic type, 2. Last evaluated: 2018-01-13. Review status: criteria provided, single submitter. Criteria: ICSL Variant Classification Criteria 13 December 2019. Collection method: clinical testing. Allele origin: germline.
Comment: This variant was observed in the ICSL laboratory as part of a predisposition screen in an ostensibly healthy population. It had not been previously curated by ICSL or reported in the Human Gene Mutation Database (HGMD: prior to June 1st, 2018), and was therefore a candidate for classification through an automated scoring system. Utilizing variant allele frequency, disease prevalence and penetrance estimates, and inheritance mode, an automated score was calculated to assess if this variant is too frequent to cause the disease. Based on the score and internal cut-off values, a variant classified as benign is not then subjected to further curation. The score for this variant resulted in a classification of benign for this disease.

GeneDx
Classification: Benign. Last evaluated: 2014-03-10. Review status: criteria provided, single submitter. Criteria: GeneDx Variant Classification (06012015). Collection method: clinical testing. Allele origin: germline. Affected: yes.
Comment: This variant is considered likely benign or benign based on one or more of the following criteria: it is a conservative change, it occurs at a poorly conserved position in the protein, it is predicted to be benign by multiple in silico algorithms, and/or has population frequency not consistent with disease.

Breakthrough Genomics
Classification: Likely benign. Review status: criteria provided, single submitter. Criteria: ACMG Guidelines, 2015. Collection method: not provided. Allele origin: germline. Inheritance: Autosomal dominant inheritance. Affected: yes.

PreventionGenetics, part of Exact Sciences
Classification: Benign. Review status: criteria provided, single submitter. Criteria: ACMG Guidelines, 2015. Collection method: clinical testing. Allele origin: germline.

Genome Diagnostics Laboratory, Amsterdam University Medical Center
Classification: Benign. Review status: no assertion criteria provided. Collection method: clinical testing. Allele origin: germline. Affected: yes. Study: VKGL Data-share Consensus. Not counted in ClinVar's aggregate classification.

Genome Diagnostics Laboratory, University Medical Center Utrecht
Classification: Likely benign. Review status: no assertion criteria provided. Collection method: clinical testing. Allele origin: germline. Affected: yes. Study: VKGL Data-share Consensus. Not counted in ClinVar's aggregate classification.

NM_000393.5(COL5A2):c.1104+15T>C

Gene: COL5A2 (collagen type V alpha 2 chain; minus strand). Cytogenetic location: 2q32.2.
Variant type: single nucleotide variant.
Coding change: c.1104+15T>C on transcript NM_000393.5 (MANE Select); 15 bases into the intron after coding-DNA position 1104, T replaced by C.
Molecular consequence: intron variant.
Genome position (GRCh38, 1-based): chr2:189,075,378, A>G on the plus strand (T>C on the coding strand, the complement: COL5A2 is on the minus strand). VCF-style: chr2-189075378-A-G. GRCh37 (hg19) VCF-style: chr2-189940104-A-G.
Other names: c.1104+15T>C (NM_000393.4).
Identifiers: ClinVar variation 136936 (VCV000136936.18), dbSNP rs75486409, ClinGen allele CA290367.
Genomic context (GRCh38, chr2:189,075,378, plus strand): 5'-TAAATGTTTTTGAATGTACAAATGGAAGAATGCATGAATAAATTAATGAATTAATATGAA[A>G]ATAATATAACTCACCATTGGTCCAGGTTTTCCAGGCATACCATGTGCACCTCGTTGTCCC-3'